The following is an entry in ClinVar:

ClinVar aggregate classification (germline): Pathogenic/Likely pathogenic. Review status: criteria provided, multiple submitters, no conflicts (2 of 4 stars). 3 submissions from 3 submitters: Pathogenic (2); Likely pathogenic (1). Last evaluated 2026-09-10.

Conditions:
Neurofibromatosis, type 1 (NF1). Also called: VON RECKLINGHAUSEN DISEASE; Neurofibromatosis, type I; Peripheral type neurofibromatosis; NEUROFIBROMATOSIS, TYPE I, SOMATIC. Identifiers: Orphanet 636, MedGen C0027831, MONDO:0018975, OMIM 162200. Disease mechanism: loss of function.
Hereditary cancer-predisposing syndrome. Also called: Neoplastic Syndromes, Hereditary; Hereditary Cancer Syndrome; Hereditary neoplastic syndrome; Tumor predisposition. Identifiers: Orphanet 140162, MedGen C0027672, MeSH D009386, MONDO:0015356.
Cardiovascular phenotype. Identifiers: MedGen CN230736.

Submissions (3):

Ambry Genetics
Classification: Pathogenic for Cardiovascular phenotype; Hereditary cancer-predisposing syndrome. Last evaluated: 2026-09-10. Review status: criteria provided, single submitter. Criteria: Ambry Variant Classification Scheme 2023. Collection method: clinical testing. Allele origin: germline.
Comment: The c.6731delA pathogenic mutation, located in coding exon 44 of the NF1 gene, results from a deletion of one nucleotide at nucleotide position 6731, causing a translational frameshift with a predicted alternate stop codon (p.K2244Sfs*3). This variant is considered to be rare based on population cohorts in the Genome Aggregation Database (gnomAD). This alteration is expected to result in loss of function by premature protein truncation or nonsense-mediated mRNA decay. As such, this alteration is interpreted as a disease-causing mutation.

Revvity Omics, Revvity
Classification: Likely pathogenic. Last evaluated: 2023-03-06. Review status: criteria provided, single submitter. Criteria: ACMG Guidelines, 2015. Collection method: clinical testing. Allele origin: germline.

Clinical Molecular Genetics Laboratory, Johns Hopkins All Children's Hospital
Classification: Pathogenic for Neurofibromatosis, type 1. Last evaluated: 2019-07-23. Review status: criteria provided, single submitter. Criteria: ACMG Guidelines, 2015. Collection method: clinical testing. Allele origin: germline. Inheritance: Autosomal dominant inheritance. Affected: yes. Observed: 1 heterozygote.

NM_001042492.3(NF1):c.6794del (p.Lys2265fs)

Gene: NF1 (neurofibromin 1; plus strand). Cytogenetic location: 17q11.2.
Variant type: Deletion.
Coding change: c.6794del on transcript NM_001042492.3 (MANE Select); coding-DNA position 6794, one base deleted (A; older notation c.6794delA).
Protein change: p.Lys2265fs; shifts the reading frame from lysine 2265.
Molecular consequence: frameshift variant.
Genome position (GRCh38, 1-based): chr17:31,338,114, A deleted; the last of 3 consecutive A bases (chr17:31,338,112-31,338,114); deleting any one gives the same sequence. VCF-style (leftmost placement, unchanged base first): chr17-31338111-TA-T. GRCh37 (hg19) VCF-style: chr17-29665129-TA-T.
Other names: c.6731delA (NM_000267.3); c.6731delA, p.Lys2244Serfs (NM_000267.4); short protein forms K2244fs, K2265fs.
Identifiers: ClinVar variation 638554 (VCV000638554.4), dbSNP rs1597845155, ClinGen allele CA915949960.